The following is an entry in ClinVar:

NM_015102.5(NPHP4):c.868G>T (p.Gly290Cys)

Gene: NPHP4 (nephrocystin 4; minus strand). Cytogenetic location: 1p36.31.
Variant type: single nucleotide variant.
Coding change: c.868G>T on transcript NM_015102.5 (MANE Select); coding-DNA position 868, G replaced by T.
Protein change: p.Gly290Cys; replaces glycine 290 with cysteine.
Molecular consequence: missense variant. On other transcripts: 5 prime UTR variant (2), non-coding transcript variant (1).
Genome position (GRCh38, 1-based): chr1:5,948,194, C>A on the plus strand (G>T on the coding strand, the complement: NPHP4 is on the minus strand). VCF-style: chr1-5948194-C-A. GRCh37 (hg19) VCF-style: chr1-6008254-C-A.
Other names: c.-499G>T (NM_001291593.2, NM_001291594.2); short protein forms G290C.
Identifiers: ClinVar variation 291291 (VCV000291291.15), dbSNP rs755124987, ClinGen allele CA554715.

ClinVar aggregate classification (germline): Uncertain significance. Review status: criteria provided, multiple submitters, no conflicts (2 of 4 stars). 5 submissions from 5 submitters: Uncertain significance (4). 1 of the submissions does not count toward it. Last evaluated 2023-12-29.

Conditions:
Nephronophthisis. Also called: Juvenile Nephronophthisis. Identifiers: Orphanet 655, MedGen C0687120, MONDO:0019005, HP:0000090.
Senior-Loken syndrome 4 (SLSN4). Identifiers: Orphanet 3156, MedGen C1846979, MONDO:0011756, OMIM 606996.
Nephronophthisis 4 (NPHP4). Also called: NEPHRONOPHTHISIS 4, JUVENILE. Identifiers: Orphanet 655, MedGen C1847013, MONDO:0011752, OMIM 606966.
Retinal dystrophy. Also called: Inherited retinal dystrophy. Identifiers: Orphanet 71862, MedGen C0854723, MeSH D058499, MONDO:0019118, HP:0000556.

Allele frequency attached by ClinVar (database versions not stated): gnomAD exomes 0.00006 and 0.00007; TOPMed 0.00006; gnomAD 0.00008 and 0.00009; ExAC 0.00010.

Submissions (5):

Fulgent Genetics
Classification: Uncertain significance for Nephronophthisis 4; Senior-Loken syndrome 4. Last evaluated: 2023-12-29. Review status: criteria provided, single submitter. Criteria: ACMG Guidelines, 2015. Collection method: clinical testing. Allele origin: germline.

Blueprint Genetics
Classification: Uncertain significance. Last evaluated: 2022-12-28. Review status: criteria provided, single submitter. Criteria: ACMG Guidelines, 2015. Collection method: clinical testing. Allele origin: germline.

Labcorp Genetics (formerly Invitae), Labcorp
Classification: Uncertain significance for Nephronophthisis. Last evaluated: 2022-08-12. Review status: criteria provided, single submitter. Criteria: Invitae Variant Classification Sherloc (09022015). Collection method: clinical testing. Allele origin: germline.
Comment: This sequence change replaces glycine, which is neutral and non-polar, with cysteine, which is neutral and slightly polar, at codon 290 of the NPHP4 protein (p.Gly290Cys). This variant is present in population databases (rs755124987, gnomAD 0.01%). This variant has not been reported in the literature in individuals affected with NPHP4-related conditions. ClinVar contains an entry for this variant (Variation ID: 291291). Algorithms developed to predict the effect of missense changes on protein structure and function output the following: SIFT: "Tolerated"; PolyPhen-2: "Possibly Damaging"; Align-GVGD: "Class C0". The cysteine amino acid residue is found in multiple mammalian species, which suggests that this missense change does not adversely affect protein function. Algorithms developed to predict the effect of sequence changes on RNA splicing suggest that this variant may create or strengthen a splice site. In summary, the available evidence is currently insufficient to determine the role of this variant in disease. Therefore, it has been classified as a Variant of Uncertain Significance.

Eurofins Ntd Llc (ga)
Classification: Uncertain significance. Last evaluated: 2016-09-22. Review status: criteria provided, single submitter. Criteria: EGL Classification Definitions 2015. Collection method: clinical testing. Allele origin: germline. Observed: 1 variant allele, 1 heterozygote.

Institute of Human Genetics, Univ. Regensburg, Univ. Regensburg
Classification: Uncertain significance for Retinal dystrophy. Last evaluated: 2022-01-01. Review status: no assertion criteria provided. Criteria: ACMG Guidelines, 2015. Collection method: clinical testing. Allele origin: germline. Affected: yes. Not counted in ClinVar's aggregate classification.